The following is an entry in ClinVar:

ClinVar aggregate classification (germline): Uncertain significance (1 of 4 stars; one submission).

Submission:

Labcorp Genetics (formerly Invitae), Labcorp
Classification: Uncertain significance. Last evaluated: 2024-09-30. Review status: criteria provided, single submitter. Criteria: Invitae Variant Classification Sherloc (09022015). Collection method: clinical testing. Allele origin: germline.
Comment: This sequence change replaces arginine, which is basic and polar, with glutamine, which is neutral and polar, at codon 855 of the NALCN protein (p.Arg855Gln). This variant is present in population databases (rs760061592, gnomAD 0.007%). This variant has not been reported in the literature in individuals affected with NALCN-related conditions. Invitae Evidence Modeling of protein sequence and biophysical properties (such as structural, functional, and spatial information, amino acid conservation, physicochemical variation, residue mobility, and thermodynamic stability) indicates that this missense variant is not expected to disrupt NALCN protein function with a negative predictive value of 80%. In summary, the available evidence is currently insufficient to determine the role of this variant in disease. Therefore, it has been classified as a Variant of Uncertain Significance.

NM_052867.4(NALCN):c.2564G>A (p.Arg855Gln)

Gene: NALCN (sodium leak channel, non-selective; minus strand). Cytogenetic location: 13q33.1.
Variant type: single nucleotide variant.
Coding change: c.2564G>A on transcript NM_052867.4 (MANE Select); coding-DNA position 2564, G replaced by A.
Protein change: p.Arg855Gln; replaces arginine 855 with glutamine.
Molecular consequence: missense variant.
Genome position (GRCh38, 1-based): chr13:101,107,502, C>T on the plus strand (G>A on the coding strand, the complement: NALCN is on the minus strand). VCF-style: chr13-101107502-C-T. GRCh37 (hg19) VCF-style: chr13-101759853-C-T.
Other names: c.2651G>A, p.Arg884Gln (NM_001350748.2); c.2564G>A, p.Arg855Gln (NM_001350749.2); c.2477G>A, p.Arg826Gln (NM_001350750.2, NM_001350751.2); short protein forms R826Q, R855Q, R884Q.
Identifiers: ClinVar variation 3625778 (VCV003625778.2).